The following is an entry in ClinVar:

ClinVar aggregate classification (germline): Uncertain significance. Review status: criteria provided, multiple submitters, no conflicts (2 of 4 stars). 2 submissions from 2 submitters: Uncertain significance (2). Last evaluated 2026-03-27.

Conditions:
Inborn genetic diseases. Identifiers: MedGen C0950123, MeSH D030342.

Submissions (2):

GeneDx
Classification: Uncertain significance. Last evaluated: 2026-03-27. Review status: criteria provided, single submitter. Criteria: GeneDx Variant Classification Process June 2021. Collection method: clinical testing. Allele origin: germline.
Comment: Not observed at significant frequency in large population cohorts (gnomAD); In silico analysis supports that this missense variant has a deleterious effect on protein structure/function; Has not been previously published as pathogenic or benign to our knowledge

Ambry Genetics
Classification: Uncertain significance for Inborn genetic diseases. Last evaluated: 2026-01-21. Review status: criteria provided, single submitter. Criteria: Ambry Variant Classification Scheme 2023. Collection method: clinical testing. Allele origin: germline.

NM_052867.4(NALCN):c.3824G>A (p.Arg1275Gln)

Gene: NALCN (sodium leak channel, non-selective; minus strand). Cytogenetic location: 13q32.3.
Variant type: single nucleotide variant.
Coding change: c.3824G>A on transcript NM_052867.4 (MANE Select); coding-DNA position 3824, G replaced by A.
Protein change: p.Arg1275Gln; replaces arginine 1275 with glutamine.
Molecular consequence: missense variant.
Genome position (GRCh38, 1-based): chr13:101,081,588, C>T on the plus strand (G>A on the coding strand, the complement: NALCN is on the minus strand). VCF-style: chr13-101081588-C-T. GRCh37 (hg19) VCF-style: chr13-101733939-C-T.
Other names: c.3911G>A, p.Arg1304Gln (NM_001350748.2); c.3824G>A, p.Arg1275Gln (NM_001350749.2); c.3737G>A, p.Arg1246Gln (NM_001350750.2, NM_001350751.2); short protein forms R1246Q, R1304Q, R1275Q.
Identifiers: ClinVar variation 4839536 (VCV004839536.2).